The following is an entry in ClinVar:

ClinVar aggregate classification (germline): Uncertain significance (1 of 4 stars; one submission).

Submission:

GeneDx
Classification: Uncertain significance. Last evaluated: 2024-05-24. Review status: criteria provided, single submitter. Criteria: GeneDx Variant Classification Process June 2021. Collection method: clinical testing. Allele origin: germline. Affected: yes.
Comment: Not observed at significant frequency in large population cohorts (gnomAD); In silico analysis indicates that this missense variant does not alter protein structure/function; Has not been previously published as pathogenic or benign to our knowledge

NM_005548.3(KARS1):c.1067A>G (p.Lys356Arg)

Gene: KARS1 (lysyl-tRNA synthetase 1; minus strand). Cytogenetic location: 16q23.1.
Variant type: single nucleotide variant.
Coding change: c.1067A>G on transcript NM_005548.3 (MANE Select); coding-DNA position 1067, A replaced by G.
Protein change: p.Lys356Arg; replaces lysine 356 with arginine.
Molecular consequence: missense variant.
Genome position (GRCh38, 1-based): chr16:75,631,704, T>C on the plus strand (A>G on the coding strand, the complement: KARS1 is on the minus strand). VCF-style: chr16-75631704-T-C. GRCh37 (hg19) VCF-style: chr16-75665602-T-C.
Other names: c.1151A>G, p.Lys384Arg (NM_001130089.2); c.599A>G, p.Lys200Arg (NM_001378148.1); short protein forms K200R, K356R, K384R.
Identifiers: ClinVar variation 3381672 (VCV003381672.1).
Genomic context (GRCh38, chr16:75,631,704, plus strand): 5'-AAAGCAGCATACCAACCACCCGATGAGTATGAGAGAGAGCAGGAGTCACCTGAAACCATC[T>C]TCTCCGTGATTTCCATGAGATCGTGATAGTCTGCATAGGCCATGTAGAACTCACAGGTGG-3'
Protein context (NP_005539.1, residues 346-366): DYHDLMEITE[Lys356Arg]MVSGMVKHIT